The following is an entry in ClinVar:

NM_004415.4(DSP):c.7T>C (p.Cys3Arg)

Genes: DSP (desmoplakin; plus strand), DSP-AS1 (DSP antisense RNA 1; minus strand). Cytogenetic location: 6p24.3.
Variant type: single nucleotide variant.
Coding change: c.7T>C on transcript NM_004415.4 (MANE Select); coding-DNA position 7, T replaced by C.
Protein change: p.Cys3Arg; replaces cysteine 3 with arginine.
Molecular consequence: missense variant.
Genome position (GRCh38, 1-based): chr6:7,541,922, T>C. VCF-style: chr6-7541922-T-C. GRCh37 (hg19) VCF-style: chr6-7542155-T-C.
Other names: c.7T>C, p.Cys3Arg (NM_001008844.3, NM_001319034.2, NM_001406591.1); short protein forms C3R.
Identifiers: ClinVar variation 4786872 (VCV004786872.1).

ClinVar aggregate classification (germline): Uncertain significance (1 of 4 stars; one submission).

Conditions:
Arrhythmogenic cardiomyopathy with wooly hair and keratoderma. Also called: Carvajal syndrome; PALMOPLANTAR KERATODERMA WITH LEFT VENTRICULAR CARDIOMYOPATHY AND WOOLLY HAIR; Dilated cardiomyopathy with woolly hair and keratoderma; Arrhythmogenic cardiomyopathy with woolly hair and keratoderma. Identifiers: Orphanet 65282, MedGen C1854063, MONDO:0011581, OMIM 605676.
Arrhythmogenic right ventricular dysplasia 8 (ARVD8). Also called: Arrhythmogenic Right Ventricular Dysplasia/Cardiomyopathy 8; ARRHYTHMOGENIC RIGHT VENTRICULAR DYSPLASIA, FAMILIAL, 8; ARRHYTHMOGENIC RIGHT VENTRICULAR CARDIOMYOPATHY 8. Identifiers: MedGen C1843896, MONDO:0011831, OMIM 607450.

Submission:

Labcorp Genetics (formerly Invitae), Labcorp
Classification: Uncertain significance for Arrhythmogenic cardiomyopathy with wooly hair and keratoderma; Arrhythmogenic right ventricular dysplasia 8. Last evaluated: 2025-12-01. Review status: criteria provided, single submitter. Criteria: Invitae Variant Classification Sherloc (09022015). Collection method: clinical testing. Allele origin: germline.
Comment: This sequence change replaces cysteine, which is neutral and slightly polar, with arginine, which is basic and polar, at codon 3 of the DSP protein (p.Cys3Arg). This variant is not present in population databases (gnomAD no frequency). This variant has not been reported in the literature in individuals affected with DSP-related conditions. An algorithm developed to predict the effect of missense changes on protein structure and function (PolyPhen-2) suggests that this variant is likely to be tolerated. In summary, the available evidence is currently insufficient to determine the role of this variant in disease. Therefore, it has been classified as a Variant of Uncertain Significance.